The following is an entry in ClinVar:

NM_001382430.1(AKT1):c.756C>A (p.Phe252Leu)

Gene: AKT1 (AKT serine/threonine kinase 1; minus strand). Cytogenetic location: 14q32.33.
Variant type: single nucleotide variant.
Coding change: c.756C>A on transcript NM_001382430.1 (MANE Select); coding-DNA position 756, C replaced by A.
Protein change: p.Phe252Leu; replaces phenylalanine 252 with leucine.
Molecular consequence: missense variant.
Genome position (GRCh38, 1-based): chr14:104,773,527, G>T on the plus strand (C>A on the coding strand, the complement: AKT1 is on the minus strand). VCF-style: chr14-104773527-G-T. GRCh37 (hg19) VCF-style: chr14-105239864-G-T.
Other names: c.756C>A, p.Phe252Leu (NM_001014431.2, NM_001014432.2, NM_001382431.1 and 3 more transcripts); short protein forms F252L.
Identifiers: ClinVar variation 3518907 (VCV003518907.1).

ClinVar aggregate classification (germline): Uncertain significance (1 of 4 stars; one submission).

Conditions:
Inborn genetic diseases. Identifiers: MedGen C0950123, MeSH D030342.

Submission:

Ambry Genetics
Classification: Uncertain significance for Inborn genetic diseases. Last evaluated: 2024-07-03. Review status: criteria provided, single submitter. Criteria: Ambry Variant Classification Scheme 2023. Collection method: clinical testing. Allele origin: germline.
Comment: The p.F252L variant (also known as c.756C>A), located in coding exon 8 of the AKT1 gene, results from a C to A substitution at nucleotide position 756. The phenylalanine at codon 252 is replaced by leucine, an amino acid with highly similar properties. This amino acid position is conserved. In addition, the in silico prediction for this alteration is inconclusive. Based on the available evidence, the clinical significance of this variant remains unclear.